The following is an entry in ClinVar:

ClinVar aggregate classification (germline): Uncertain significance (1 of 4 stars; one submission).

Allele frequency attached by ClinVar (database versions not stated): gnomAD exomes 0.00001.
gnomAD v4.1: 11 of 1,614,038 alleles (0.00068%); highest among the groups gnomAD compares: East Asian, 0.0022%; no homozygotes.

Submission:

Labcorp Genetics (formerly Invitae), Labcorp
Classification: Uncertain significance. Last evaluated: 2023-02-20. Review status: criteria provided, single submitter. Criteria: Invitae Variant Classification Sherloc (09022015). Collection method: clinical testing. Allele origin: germline.
Comment: In summary, the available evidence is currently insufficient to determine the role of this variant in disease. Therefore, it has been classified as a Variant of Uncertain Significance. Advanced modeling of protein sequence and biophysical properties (such as structural, functional, and spatial information, amino acid conservation, physicochemical variation, residue mobility, and thermodynamic stability) performed at Invitae indicates that this missense variant is not expected to disrupt CSF1R protein function. This variant has not been reported in the literature in individuals affected with CSF1R-related conditions. This variant is present in population databases (no rsID available, gnomAD 0.006%). This sequence change replaces alanine, which is neutral and non-polar, with threonine, which is neutral and polar, at codon 96 of the CSF1R protein (p.Ala96Thr).

NM_001288705.3(CSF1R):c.286G>A (p.Ala96Thr)

Gene: CSF1R (colony stimulating factor 1 receptor; minus strand). Cytogenetic location: 5q32.
Variant type: single nucleotide variant.
Coding change: c.286G>A on transcript NM_001288705.3 (MANE Select); coding-DNA position 286, G replaced by A.
Protein change: p.Ala96Thr; replaces alanine 96 with threonine.
Molecular consequence: missense variant. On other transcripts: 5 prime UTR variant (1), non-coding transcript variant (2).
Genome position (GRCh38, 1-based): chr5:150,080,788, C>T on the plus strand (G>A on the coding strand, the complement: CSF1R is on the minus strand). VCF-style: chr5-150080788-C-T. GRCh37 (hg19) VCF-style: chr5-149460351-C-T.
Other names: c.286G>A, p.Ala96Thr (NM_001349736.2, NM_001375320.1, NM_005211.4); c.-159G>A (NM_001375321.1); short protein forms A96T.
Identifiers: ClinVar variation 2955012 (VCV002955012.3), dbSNP rs1318254419, ClinGen allele CA361735696.